The following is an entry in ClinVar:

NM_019066.5(MAGEL2):c.660_689del (p.181HPPPPGTPMA[4])

Gene: MAGEL2 (MAGE family member L2; minus strand). Cytogenetic location: 15q11.2.
Variant type: Deletion.
Coding change: c.660_689del on transcript NM_019066.5 (MANE Select); coding-DNA positions 660 to 689, 30 bases deleted (TCATCCTCCCCCTCCGGGTACACCGATGGC).
Protein change: p.181HPPPPGTPMA[4].
Molecular consequence: inframe deletion.
Genome position (GRCh38, 1-based): chr15:23,647,054-23,647,083, GCCATCGGTGTACCCGGAGGGGGAGGATGA deleted on the plus strand (TCATCCTCCCCCTCCGGGTACACCGATGGC on the coding strand, the reverse complement: MAGEL2 is on the minus strand); deleting any 30 consecutive bases within chr15:23,647,054-23,647,094 gives the same sequence; the c. name uses the placement nearest the transcript's 3' end. VCF-style (leftmost placement, unchanged base first): chr15-23647053-GGCCATCGGTGTACCCGGAGGGGGAGGATGA-G. GRCh37 (hg19) VCF-style: chr15-23892200-GGCCATCGGTGTACCCGGAGGGGGAGGATGA-G.
Other names: c.660_689del30 (NM_019066.4).
Identifiers: ClinVar variation 2980354 (VCV002980354.4), dbSNP rs750345306, ClinGen allele CA7430086.

ClinVar aggregate classification (germline): Uncertain significance. Review status: criteria provided, multiple submitters, no conflicts (2 of 4 stars). 2 submissions from 2 submitters: Uncertain significance (2). Last evaluated 2026-01-13.

Conditions:
MAGEL2-related disorder. Also called: MAGEL2-related condition.

Submissions (2):

PreventionGenetics, part of Exact Sciences
Classification: Uncertain significance for MAGEL2-related condition. Last evaluated: 2026-01-13. Review status: criteria provided, single submitter. Criteria: ACMG Guidelines, 2015. Collection method: clinical testing. Allele origin: germline.
Comment: The MAGEL2 c.660_689del30 variant is predicted to result in an in-frame deletion (p.His221_Ala230del). To our knowledge, this variant has not been reported in the literature. This variant is reported in 0.041% of alleles in individuals of East Asian descent in gnomAD. Although we suspect that this variant may be benign, at this time, the clinical significance of this variant is uncertain due to the absence of conclusive functional and genetic evidence.

Labcorp Genetics (formerly Invitae), Labcorp
Classification: Uncertain significance. Last evaluated: 2024-11-27. Review status: criteria provided, single submitter. Criteria: Invitae Variant Classification Sherloc (09022015). Collection method: clinical testing. Allele origin: germline.
Comment: This variant, c.660_689del, results in the deletion of 10 amino acid(s) of the MAGEL2 protein (p.His221_Ala230del), but otherwise preserves the integrity of the reading frame. This variant is present in population databases (rs750345306, gnomAD 0.04%). This variant has not been reported in the literature in individuals affected with MAGEL2-related conditions. ClinVar contains an entry for this variant (Variation ID: 2980354). Experimental studies and prediction algorithms are not available or were not evaluated, and the functional significance of this variant is currently unknown. In summary, the available evidence is currently insufficient to determine the role of this variant in disease. Therefore, it has been classified as a Variant of Uncertain Significance.